The following is an entry in ClinVar:

NM_006567.5(FARS2):c.317G>T (p.Gly106Val)

Genes: FARS2 (phenylalanyl-tRNA synthetase 2, mitochondrial; plus strand), LOC126859565 (CDK7 strongly-dependent group 2 enhancer GRCh37_chr6:5368745-5369944; plus strand). Cytogenetic location: 6p25.1.
Variant type: single nucleotide variant.
Coding change: c.317G>T on transcript NM_006567.5 (MANE Select); coding-DNA position 317, G replaced by T.
Protein change: p.Gly106Val; replaces glycine 106 with valine.
Molecular consequence: missense variant. On other transcripts: intron variant (2).
Genome position (GRCh38, 1-based): chr6:5,368,887, G>T. VCF-style: chr6-5368887-G-T. GRCh37 (hg19) VCF-style: chr6-5369120-G-T.
Other names: c.317G>T, p.Gly106Val (NM_001318872.2, NM_001374875.1, NM_001374876.1 and 5 more transcripts); c.-340-27746G>T (NM_001375260.1); c.-84-35655G>T (NM_001375259.1); short protein forms G106V.
Identifiers: ClinVar variation 1960127 (VCV001960127.5), dbSNP rs1174267794, ClinGen allele CA362735029.

ClinVar aggregate classification (germline): Uncertain significance (1 of 4 stars; one submission).

Conditions:
Combined oxidative phosphorylation defect type 14. Also called: Combined oxidative phosphorylation deficiency 14. Identifiers: Orphanet 319519, MedGen C4755312, MONDO:0013986, OMIM 614946.

Submission:

Labcorp Genetics (formerly Invitae), Labcorp
Classification: Uncertain significance for Combined oxidative phosphorylation defect type 14. Last evaluated: 2022-01-31. Review status: criteria provided, single submitter. Criteria: Invitae Variant Classification Sherloc (09022015). Collection method: clinical testing. Allele origin: germline.
Comment: This sequence change replaces glycine, which is neutral and non-polar, with valine, which is neutral and non-polar, at codon 106 of the FARS2 protein (p.Gly106Val). This variant is not present in population databases (gnomAD no frequency). This variant has not been reported in the literature in individuals affected with FARS2-related conditions. Advanced modeling of protein sequence and biophysical properties (such as structural, functional, and spatial information, amino acid conservation, physicochemical variation, residue mobility, and thermodynamic stability) performed at Invitae indicates that this missense variant is expected to disrupt FARS2 protein function. In summary, the available evidence is currently insufficient to determine the role of this variant in disease. Therefore, it has been classified as a Variant of Uncertain Significance.